The following is an entry in ClinVar:

ClinVar aggregate classification (germline): Pathogenic (1 of 4 stars; one submission).

Conditions:
Fanconi anemia (FA). Also called: Fanconi's anemia. Identifiers: Orphanet 84, MedGen C0015625, MeSH D005199, MONDO:0019391.

Submission:

Labcorp Genetics (formerly Invitae), Labcorp
Classification: Pathogenic for Fanconi anemia. Last evaluated: 2021-02-26. Review status: criteria provided, single submitter. Criteria: Invitae Variant Classification Sherloc (09022015). Collection method: clinical testing. Allele origin: germline.
Comment: This sequence change creates a premature translational stop signal (p.Val1328Glyfs*3) in the SLX4 gene. It is expected to result in an absent or disrupted protein product. Loss-of-function variants in SLX4 are known to be pathogenic (PMID: 21240277). This variant is not present in population databases (ExAC no frequency). This variant has not been reported in the literature in individuals with SLX4-related conditions. For these reasons, this variant has been classified as Pathogenic.

Literature cited by the submitters: PubMed 21240277.

NM_032444.4(SLX4):c.3983_4115del (p.Val1328fs)

Gene: SLX4 (SLX4 structure-specific endonuclease subunit; minus strand). Cytogenetic location: 16p13.3.
Variant type: Deletion.
Coding change: c.3983_4115del on transcript NM_032444.4 (MANE Select); coding-DNA positions 3983 to 4115, 133 bases deleted.
Protein change: p.Val1328fs; shifts the reading frame from valine 1328.
Molecular consequence: frameshift variant.
Genome position (GRCh38, 1-based): chr16:3,589,523-3,589,655, 133 bases deleted. GRCh37 (hg19): chr16:3,639,526-3,639,658.
Other names: short protein forms V1328fs.
Identifiers: ClinVar variation 1451487 (VCV001451487.6), dbSNP rs2151122078, ClinGen allele CA2573152107.